The following is an entry in ClinVar:

ClinVar aggregate classification (germline): Pathogenic (1 of 4 stars; one submission).

Conditions:
Townes-Brocks syndrome 1 (TBS1). Also called: SALL1-Related Townes-Brocks Syndrome; DEAFNESS, SENSORINEURAL, WITH IMPERFORATE ANUS AND THUMB ANOMALIES; REAR SYNDROME; RENAL-EAR-ANAL-RADIAL SYNDROME. Identifiers: Orphanet 857, MedGen C4551481, MONDO:0054581, OMIM 107480.

Submission:

Centre de Biologie Pathologie Génétique, Centre Hospitalier Universitaire de Lille
Classification: Pathogenic for Townes-Brocks syndrome 1. Last evaluated: 2025-02-27. Review status: criteria provided, single submitter. Criteria: ACMG Guidelines, 2015. Collection method: clinical testing. Allele origin: unknown. Inheritance: Autosomal dominant inheritance. Affected: yes.
Comment: PVS1 + PM2 + PP4

NM_002968.3(SALL1):c.2999del (p.Asn1000fs)

Gene: SALL1 (spalt like transcription factor 1; minus strand). Cytogenetic location: 16q12.1.
Variant type: Deletion.
Coding change: c.2999del on transcript NM_002968.3 (MANE Select); coding-DNA position 2999, one base deleted (A; older notation c.2999delA).
Protein change: p.Asn1000fs; shifts the reading frame from asparagine 1000.
Molecular consequence: frameshift variant.
Genome position (GRCh38, 1-based): chr16:51,139,223, T deleted on the plus strand (A on the coding strand, the reverse complement: SALL1 is on the minus strand); the first of 5 consecutive T bases (chr16:51,139,223-51,139,227); deleting any one gives the same sequence. VCF-style (leftmost placement, unchanged base first): chr16-51139222-GT-G. GRCh37 (hg19) VCF-style: chr16-51173133-GT-G.
Other names: c.2708del, p.Asn903fs (NM_001127892.2); short protein forms N1000fs, N903fs.
Identifiers: ClinVar variation 3765532 (VCV003765532.1).